The following is an entry in ClinVar:

NM_020778.5(ALPK3):c.5027C>T (p.Ala1676Val)

Gene: ALPK3 (alpha kinase 3; plus strand). Cytogenetic location: 15q25.3.
Variant type: single nucleotide variant.
Coding change: c.5027C>T on transcript NM_020778.5 (MANE Select); coding-DNA position 5027, C replaced by T.
Protein change: p.Ala1676Val; replaces alanine 1676 with valine.
Molecular consequence: missense variant.
Genome position (GRCh38, 1-based): chr15:84,868,365, C>T. VCF-style: chr15-84868365-C-T. GRCh37 (hg19) VCF-style: chr15-85411596-C-T.
Other names: short protein forms A1878V, A1676V.
Identifiers: ClinVar variation 389668 (VCV000389668.10), dbSNP rs150250443, ClinGen allele CA16607162.

ClinVar aggregate classification (germline): Uncertain significance. Review status: criteria provided, multiple submitters, no conflicts (2 of 4 stars). 3 submissions from 3 submitters: Uncertain significance (3). Last evaluated 2024-12-22.

Conditions:
Cardiovascular phenotype. Identifiers: MedGen CN230736.

Allele frequency attached by ClinVar (database versions not stated): TOPMed 0.00001.
gnomAD v4.1: 9 of 1,613,952 alleles (0.00056%); highest among the groups gnomAD compares: African/African-American, 0.0093%; no homozygotes.

Submissions (3):

Labcorp Genetics (formerly Invitae), Labcorp
Classification: Uncertain significance. Last evaluated: 2024-12-22. Review status: criteria provided, single submitter. Criteria: Invitae Variant Classification Sherloc (09022015). Collection method: clinical testing. Allele origin: germline.
Comment: This sequence change replaces alanine, which is neutral and non-polar, with valine, which is neutral and non-polar, at codon 1878 of the ALPK3 protein (p.Ala1878Val). This variant is not present in population databases (gnomAD no frequency). This variant has not been reported in the literature in individuals affected with ALPK3-related conditions. ClinVar contains an entry for this variant (Variation ID: 389668). Invitae Evidence Modeling of protein sequence and biophysical properties (such as structural, functional, and spatial information, amino acid conservation, physicochemical variation, residue mobility, and thermodynamic stability) indicates that this missense variant is not expected to disrupt ALPK3 protein function with a negative predictive value of 80%. In summary, the available evidence is currently insufficient to determine the role of this variant in disease. Therefore, it has been classified as a Variant of Uncertain Significance.

Ambry Genetics
Classification: Uncertain significance for Cardiovascular phenotype. Last evaluated: 2024-08-28. Review status: criteria provided, single submitter. Criteria: Ambry Variant Classification Scheme 2023. Collection method: clinical testing. Allele origin: germline.
Comment: The p.A1878V variant (also known as c.5633C>T), located in coding exon 14 of the ALPK3 gene, results from a C to T substitution at nucleotide position 5633. The alanine at codon 1878 is replaced by valine, an amino acid with similar properties. This amino acid position is not well conserved in available vertebrate species, and valine is the reference amino acid in other vertebrate species. In addition, this alteration is predicted to be tolerated by in silico analysis. Since supporting evidence is limited at this time, the clinical significance of this alteration remains unclear.

GeneDx
Classification: Uncertain significance. Last evaluated: 2016-10-06. Review status: criteria provided, single submitter. Criteria: GeneDx Variant Classification (06012015). Collection method: clinical testing. Allele origin: germline. Affected: yes.
Comment: A variant of uncertain significance has been identified in the ALPK3 gene. The A1878V variant has not been published as a pathogenic variant, nor has it been reported as a benign variant to our knowledge. The A1878V variant was not observed in approximately 6,500 individuals of European and African American ancestry in the NHLBI Exome Sequencing Project, indicating it is not a common benign variant in these populations. This substitution occurs at a position where amino acids with similar properties to Alanine are tolerated across species and Valine is the natural residue at this position in several species. In addition, A1878V is a conservative amino acid substitution, which is not likely to impact secondary protein structure as these residues share similar properties. In silico analysis is inconsistent in its predictions as to whether or not the variant is damaging to the protein structure/function. Furthermore, no missense variants in the ALPK3 gene have been reported in the Human Gene Mutation Database (Stenson et al., 2014).Therefore, based on the currently available information, it is unclear whether this variant is pathogenic or rare benign.